The following is an entry in ClinVar:

NM_001103.4(ACTN2):c.2467G>T (p.Ala823Ser)

Gene: ACTN2 (actinin alpha 2; plus strand). Cytogenetic location: 1q43.
Variant type: single nucleotide variant.
Coding change: c.2467G>T on transcript NM_001103.4 (MANE Select); coding-DNA position 2467, G replaced by T.
Protein change: p.Ala823Ser; replaces alanine 823 with serine.
Molecular consequence: missense variant.
Genome position (GRCh38, 1-based): chr1:236,761,114, G>T. VCF-style: chr1-236761114-G-T. GRCh37 (hg19) VCF-style: chr1-236924414-G-T.
Other names: p.Ala823Ser; c.2467G>T, p.Ala823Ser (NM_001278343.2); c.1843G>T, p.Ala615Ser (NM_001278344.2); short protein forms A615S, A823S.
Identifiers: ClinVar variation 1693799 (VCV001693799.7), dbSNP rs2102951725, ClinGen allele CA345391382.

ClinVar aggregate classification (germline): Uncertain significance. Review status: criteria provided, multiple submitters, no conflicts (2 of 4 stars). 3 submissions from 3 submitters: Uncertain significance (3). Last evaluated 2025-05-17.

Conditions:
Cardiovascular phenotype. Identifiers: MedGen CN230736.
Dilated cardiomyopathy 1AA (CMD1AA). Also called: CARDIOMYOPATHY, DILATED, 1AA, WITH OR WITHOUT LEFT VENTRICULAR NONCOMPACTION; CARDIOMYOPATHY, FAMILIAL HYPERTROPHIC, 23, WITH OR WITHOUT LEFT VENTRICULAR NONCOMPACTION; Cardiomyopathy, dilated, 1AA, with or without LVNC. Identifiers: Orphanet 154, MedGen C2677338, MONDO:0012808, OMIM 612158.
Primary familial hypertrophic cardiomyopathy (HCM). Identifiers: Orphanet 99739, MedGen C0949658, MeSH D024741, MONDO:0024573. Inheritance: Various modes of inheritance.

Submissions (3):

Labcorp Genetics (formerly Invitae), Labcorp
Classification: Uncertain significance for Primary familial hypertrophic cardiomyopathy; Dilated cardiomyopathy 1AA. Last evaluated: 2025-05-17. Review status: criteria provided, single submitter. Criteria: Invitae Variant Classification Sherloc (09022015). Collection method: clinical testing. Allele origin: germline.
Comment: This sequence change replaces alanine, which is neutral and non-polar, with serine, which is neutral and polar, at codon 823 of the ACTN2 protein (p.Ala823Ser). This variant is not present in population databases (gnomAD no frequency). This variant has not been reported in the literature in individuals affected with ACTN2-related conditions. ClinVar contains an entry for this variant (Variation ID: 1693799). An algorithm developed to predict the effect of missense changes on protein structure and function (PolyPhen-2) suggests that this variant is likely to be disruptive. In summary, the available evidence is currently insufficient to determine the role of this variant in disease. Therefore, it has been classified as a Variant of Uncertain Significance.

Mayo Clinic Laboratories, Mayo Clinic
Classification: Uncertain significance. Last evaluated: 2021-09-08. Review status: criteria provided, single submitter. Criteria: ACMG Guidelines, 2015. Collection method: clinical testing. Allele origin: germline.

Ambry Genetics
Classification: Uncertain significance for Cardiovascular phenotype. Last evaluated: 2020-11-25. Review status: criteria provided, single submitter. Criteria: Ambry Variant Classification Scheme 2023. Collection method: clinical testing. Allele origin: germline.
Comment: The p.A823S variant (also known as c.2467G>T), located in coding exon 20 of the ACTN2 gene, results from a G to T substitution at nucleotide position 2467. The alanine at codon 823 is replaced by serine, an amino acid with similar properties. This amino acid position is well conserved in available vertebrate species. In addition, this alteration is predicted to be tolerated by in silico analysis. Since supporting evidence is limited at this time, the clinical significance of this alteration remains unclear.